The following is an entry in ClinVar:

ClinVar aggregate classification (germline): Likely pathogenic (1 of 4 stars; one submission).

Submission:

Mayo Clinic Laboratories, Mayo Clinic
Classification: Likely pathogenic. Last evaluated: 2024-09-06. Review status: criteria provided, single submitter. Criteria: ACMG Guidelines, 2015. Collection method: clinical testing. Allele origin: germline. Observed: 1 variant allele.
Comment: PM2, PVS1

NM_170707.4(LMNA):c.75dup (p.Ile26fs)

Genes: LMNA (lamin A/C; plus strand), LOC129931597 (ATAC-STARR-seq lymphoblastoid silent region 1421; plus strand). Cytogenetic location: 1q22.
Variant type: Duplication.
Coding change: c.75dup on transcript NM_170707.4 (MANE Select); coding-DNA position 75, one base duplicated (C; older notation c.75dupC).
Protein change: p.Ile26fs; shifts the reading frame from isoleucine 26.
Molecular consequence: frameshift variant. On other transcripts: 5 prime UTR variant (8), intron variant (2).
Genome position (GRCh38, 1-based): chr1:156,114,993, C duplicated. VCF-style (leftmost placement, unchanged base first): chr1-156114992-G-GC. GRCh37 (hg19) VCF-style: chr1-156084783-G-GC.
Other names: p.Ile26Hisfs*15; c.75dup, p.Ile26fs (NM_001282625.2, NM_001282626.2, NM_001406983.1 and 6 more transcripts); c.-349dup (NM_001406986.1); c.-327dup (NM_001406990.1, NM_001406995.1, NM_001407002.1); c.-590dup (NM_001406994.1, NM_001407000.1); c.-770dup (NM_001406999.1); c.-433dup (NM_001407001.1); c.-203+8170dup (NM_001406993.1, NM_001407003.1); short protein forms I26fs.
Identifiers: ClinVar variation 3381014 (VCV003381014.1).
Genomic context (GRCh38, chr1:156,114,992, plus strand): 5'-CCCAGCGGCGCGCCACCCGCAGCGGGGCGCAGGCCAGCTCCACTCCGCTGTCGCCCACCC[G>GC]CATCACCCGGCTGCAGGAGAAGGAGGACCTGCAGGAGCTCAATGATCGCTTGGCGGTCTA-3'